The following is an entry in ClinVar:

NM_001371333.1(DIABLO):c.224G>A (p.Arg75Lys)

Gene: DIABLO (diablo IAP-binding mitochondrial protein; minus strand). Cytogenetic location: 12q24.31.
Variant type: single nucleotide variant.
Coding change: c.224G>A on transcript NM_001371333.1 (MANE Select); coding-DNA position 224, G replaced by A.
Protein change: p.Arg75Lys; replaces arginine 75 with lysine.
Molecular consequence: missense variant. On other transcripts: intron variant (2).
Genome position (GRCh38, 1-based): chr12:122,218,357, C>T on the plus strand (G>A on the coding strand, the complement: DIABLO is on the minus strand). VCF-style: chr12-122218357-C-T. GRCh37 (hg19) VCF-style: chr12-122702904-C-T.
Other names: c.5G>A, p.Arg2Lys (NM_001278303.1); c.65G>A, p.Arg22Lys (NM_001278304.2, NM_138930.3); c.224G>A, p.Arg75Lys (NM_019887.6); c.184-1488G>A (NM_001278342.1); c.25-1488G>A (NM_001278302.1); short protein forms R2K, R75K, R22K.
Identifiers: ClinVar variation 4992466 (VCV004992466.1).
Genomic context (GRCh38, chr12:122,218,357, plus strand): 5'-GCATATGTGGTCTGAGAGAGAAAGGTAGAGGTGCTATCTGTTACCAAAGACACTGCTCTC[C>T]TCATCAATGCTTCACTACTAAGGGAATGAGGCTCTGATTTCTGAAAGACACAAACATTGT-3'
Protein context (NP_001358262.1, residues 65-85): PHSLSSEALM[Arg75Lys]RAVSLVTDST

ClinVar aggregate classification (germline): Uncertain significance (1 of 4 stars; one submission).

Conditions:
DIABLO-related disorder. Also called: DIABLO-related condition.

gnomAD v4.1: 2 of 1,614,036 alleles (0.00012%); highest among the groups gnomAD compares: Middle Eastern, 0.016%; no homozygotes.

Submission:

PreventionGenetics, part of Exact Sciences
Classification: Uncertain significance for DIABLO-related condition. Last evaluated: 2025-12-20. Review status: criteria provided, single submitter. Criteria: ACMG Guidelines, 2015. Collection method: clinical testing. Allele origin: germline.
Comment: The DIABLO c.224G>A variant is predicted to result in the amino acid substitution p.Arg75Lys. To our knowledge, this variant has not been reported in the literature or in a large population database (gnomAD), indicating this variant is rare. At this time, the clinical significance of this variant is uncertain due to the absence of conclusive functional and genetic evidence.